The following is an entry in ClinVar:

ClinVar aggregate classification (germline): Uncertain significance (1 of 4 stars; one submission).

Conditions:
PRPH2-related disorder. Also called: PRPH2-related condition; PRPH2-related disorders. Identifiers: MedGen CN239395.

Submission:

Labcorp Genetics (formerly Invitae), Labcorp
Classification: Uncertain significance for PRPH2-related disorder. Last evaluated: 2023-06-29. Review status: criteria provided, single submitter. Criteria: Invitae Variant Classification Sherloc (09022015). Collection method: clinical testing. Allele origin: germline.
Comment: In summary, the available evidence is currently insufficient to determine the role of this variant in disease. Therefore, it has been classified as a Variant of Uncertain Significance. Advanced modeling of protein sequence and biophysical properties (such as structural, functional, and spatial information, amino acid conservation, physicochemical variation, residue mobility, and thermodynamic stability) has been performed at Invitae for this missense variant, however the output from this modeling did not meet the statistical confidence thresholds required to predict the impact of this variant on PRPH2 protein function. This variant has not been reported in the literature in individuals affected with PRPH2-related conditions. This variant is not present in population databases (gnomAD no frequency). This sequence change replaces glutamine, which is neutral and polar, with arginine, which is basic and polar, at codon 304 of the PRPH2 protein (p.Gln304Arg).

NM_000322.5(PRPH2):c.911A>G (p.Gln304Arg)

Gene: PRPH2 (peripherin 2; minus strand). Cytogenetic location: 6p21.1.
Variant type: single nucleotide variant.
Coding change: c.911A>G on transcript NM_000322.5 (MANE Select); coding-DNA position 911, A replaced by G.
Protein change: p.Gln304Arg; replaces glutamine 304 with arginine.
Molecular consequence: missense variant.
Genome position (GRCh38, 1-based): chr6:42,698,425, T>C on the plus strand (A>G on the coding strand, the complement: PRPH2 is on the minus strand). VCF-style: chr6-42698425-T-C. GRCh37 (hg19) VCF-style: chr6-42666163-T-C.
Other names: short protein forms Q304R.
Identifiers: ClinVar variation 2917775 (VCV002917775.3), dbSNP rs750796514, ClinGen allele CA364133171.